The following is an entry in ClinVar:

ClinVar aggregate classification (germline): Uncertain significance. Review status: criteria provided, multiple submitters, no conflicts (2 of 4 stars). 3 submissions from 3 submitters: Uncertain significance (3). Last evaluated 2025-06-22.

Allele frequency attached by ClinVar (database versions not stated): TOPMed 0.00004; gnomAD 0.00008 and 0.00007; gnomAD exomes 0.00003 and 0.00008; ExAC 0.00006; 1000 Genomes Project 30x 0.00016; 1000 Genomes Project 0.00020.

Submissions (3):

Labcorp Genetics (formerly Invitae), Labcorp
Classification: Uncertain significance. Last evaluated: 2025-06-22. Review status: criteria provided, single submitter. Criteria: Invitae Variant Classification Sherloc (09022015). Collection method: clinical testing. Allele origin: germline.
Comment: This sequence change replaces threonine, which is neutral and polar, with methionine, which is neutral and non-polar, at codon 735 of the KIF23 protein (p.Thr735Met). This variant is present in population databases (rs535792693, gnomAD 0.07%), and has an allele count higher than expected for a pathogenic variant. This variant has not been reported in the literature in individuals affected with KIF23-related conditions. ClinVar contains an entry for this variant (Variation ID: 1163575). An algorithm developed to predict the effect of missense changes on protein structure and function (PolyPhen-2) suggests that this variant is likely to be tolerated. In summary, the available evidence is currently insufficient to determine the role of this variant in disease. Therefore, it has been classified as a Variant of Uncertain Significance.

Revvity Omics, Revvity
Classification: Uncertain significance. Last evaluated: 2021-06-29. Review status: criteria provided, single submitter. Criteria: ACMG Guidelines, 2015. Collection method: clinical testing. Allele origin: germline.

Mayo Clinic Laboratories, Mayo Clinic
Classification: Uncertain significance. Last evaluated: 2019-05-16. Review status: criteria provided, single submitter. Criteria: ACMG Guidelines, 2015. Collection method: clinical testing. Allele origin: germline. Observed: 1 variant allele.

NM_001367805.3(KIF23):c.2246C>T (p.Thr749Met)

Gene: KIF23 (kinesin family member 23; plus strand). Cytogenetic location: 15q23.
Variant type: single nucleotide variant.
Coding change: c.2246C>T on transcript NM_001367805.3 (MANE Select); coding-DNA position 2246, C replaced by T.
Protein change: p.Thr749Met; replaces threonine 749 with methionine.
Molecular consequence: missense variant. On other transcripts: non-coding transcript variant (1), intron variant (1).
Genome position (GRCh38, 1-based): chr15:69,440,904, C>T. VCF-style: chr15-69440904-C-T. GRCh37 (hg19) VCF-style: chr15-69733243-C-T.
Other names: c.1874C>T, p.Thr625Met (NM_001281301.2); c.2204C>T, p.Thr735Met (NM_001367804.2, NM_138555.4); c.2067+417C>T (NM_004856.7); short protein forms T625M, T735M, T749M.
Identifiers: ClinVar variation 1163575 (VCV001163575.11), dbSNP rs535792693, ClinGen allele CA7635358.
Genomic context (GRCh38, chr15:69,440,904, plus strand): 5'-ACTCTTGCAGCAGCATTTCTGTAGCTTCCTGTATTTCGGAATGGGAGCAGAAAATTCCTA[C>T]GTACAACACACCTCTCAAAGTCACATCTATTGCAAGGCGTAGGCAGCAGGAGCCAGGACA-3'
Protein context (NP_001354734.1, residues 739-759): CISEWEQKIP[Thr749Met]YNTPLKVTSI